The following is an entry in ClinVar:

ClinVar aggregate classification (germline): Uncertain significance. Review status: criteria provided, multiple submitters, no conflicts (2 of 4 stars). 2 submissions from 2 submitters: Uncertain significance (2). Last evaluated 2025-01-11.

Conditions:
Hereditary cancer-predisposing syndrome. Also called: Neoplastic Syndromes, Hereditary; Tumor predisposition; Hereditary Cancer Syndrome; Hereditary neoplastic syndrome. Identifiers: Orphanet 140162, MedGen C0027672, MeSH D009386, MONDO:0015356.
Familial cancer of breast. Also called: BREAST CANCER, FAMILIAL; Hereditary breast cancer; hereditary breast carcinoma. Identifiers: Orphanet 227535, MedGen C0346153, MONDO:0016419, OMIM 114480. Disease mechanism: loss of function.

Allele frequency attached by ClinVar (database versions not stated): gnomAD exomes below 0.00001.
gnomAD v4.1: 1 of 1,613,986 alleles (0.000062%); highest among the groups gnomAD compares: African/African-American, 0.0013%; no homozygotes.

Submissions (2):

Labcorp Genetics (formerly Invitae), Labcorp
Classification: Uncertain significance for Familial cancer of breast. Last evaluated: 2025-01-11. Review status: criteria provided, single submitter. Criteria: Invitae Variant Classification Sherloc (09022015). Collection method: clinical testing. Allele origin: germline.
Comment: This sequence change replaces asparagine, which is neutral and polar, with serine, which is neutral and polar, at codon 561 of the BARD1 protein (p.Asn561Ser). This variant is present in population databases (no rsID available, gnomAD 0.007%). This variant has not been reported in the literature in individuals affected with BARD1-related conditions. ClinVar contains an entry for this variant (Variation ID: 819813). An algorithm developed to predict the effect of missense changes on protein structure and function outputs the following: PolyPhen-2: "Benign". The serine amino acid residue is found in multiple mammalian species, which suggests that this missense change does not adversely affect protein function. In summary, the available evidence is currently insufficient to determine the role of this variant in disease. Therefore, it has been classified as a Variant of Uncertain Significance.

Ambry Genetics
Classification: Uncertain significance for Hereditary cancer-predisposing syndrome. Last evaluated: 2019-09-20. Review status: criteria provided, single submitter. Criteria: Ambry Variant Classification Scheme 2023. Collection method: clinical testing. Allele origin: germline.
Comment: The p.N561S variant (also known as c.1682A>G), located in coding exon 8 of the BARD1 gene, results from an A to G substitution at nucleotide position 1682. The asparagine at codon 561 is replaced by serine, an amino acid with highly similar properties. This amino acid position is not well conserved in available vertebrate species. In addition, this alteration is predicted to be tolerated by in silico analysis. Since supporting evidence is limited at this time, the clinical significance of this alteration remains unclear.

NM_000465.4(BARD1):c.1682A>G (p.Asn561Ser)

Gene: BARD1 (BRCA1 associated RING domain 1; minus strand). Cytogenetic location: 2q35.
Variant type: single nucleotide variant.
Coding change: c.1682A>G on transcript NM_000465.4 (MANE Select); coding-DNA position 1682, A replaced by G.
Protein change: p.Asn561Ser; replaces asparagine 561 with serine.
Molecular consequence: missense variant. On other transcripts: non-coding transcript variant (3), intron variant (1).
Genome position (GRCh38, 1-based): chr2:214,745,850, T>C on the plus strand (A>G on the coding strand, the complement: BARD1 is on the minus strand). VCF-style: chr2-214745850-T-C. GRCh37 (hg19) VCF-style: chr2-215610574-T-C.
Other names: c.1625A>G, p.Asn542Ser (NM_001282543.2); c.329A>G, p.Asn110Ser (NM_001282545.2); c.272A>G, p.Asn91Ser (NM_001282548.2); c.365-15342A>G (NM_001282549.2); short protein forms N542S, N561S, N91S, N110S.
Identifiers: ClinVar variation 819813 (VCV000819813.11), dbSNP rs1165939780, ClinGen allele CA350453333.